The following is an entry in ClinVar:

ClinVar aggregate classification (germline): Likely benign. Review status: criteria provided, single submitter (1 of 4 stars). 2 submissions from 2 submitters: Likely benign (1). 1 of the submissions does not count toward it. Last evaluated 2026-09-01.

Conditions:
ZFHX4-related disorder. Also called: ZFHX4-related condition.

Allele frequency attached by ClinVar (database versions not stated): 1000 Genomes Project 0.00040; TOPMed 0.00046; 1000 Genomes Project 30x 0.00047; ESP Exome Variant Server 0.00091; gnomAD exomes 0.00122; gnomAD 0.00124; ExAC 0.00143.
gnomAD v4.1: 1,968 of 1,613,836 alleles (0.12%); highest among the groups gnomAD compares: Non-Finnish European, 0.11%; 4 homozygotes.

Submissions (2):

CeGaT Center for Human Genetics Tuebingen
Classification: Likely benign. Last evaluated: 2026-09-01. Review status: criteria provided, single submitter. Criteria: CeGaT Center For Human Genetics Tuebingen Variant Classification Criteria Version 2. Collection method: clinical testing. Allele origin: germline. Affected: yes. Observed: 1 variant allele.
Comment: ZFHX4: BS1

PreventionGenetics, part of Exact Sciences
Classification: Benign for ZFHX4-related condition. Last evaluated: 2019-08-21. Review status: no assertion criteria provided. Collection method: clinical testing. Allele origin: germline. Not counted in ClinVar's aggregate classification.
Comment: This variant is classified as benign based on ACMG/AMP sequence variant interpretation guidelines (Richards et al. 2015 PMID: 25741868, with internal and published modifications).

NM_024721.5(ZFHX4):c.4700A>G (p.His1567Arg)

Gene: ZFHX4 (zinc finger homeobox 4; plus strand). Cytogenetic location: 8q21.13.
Variant type: single nucleotide variant.
Coding change: c.4700A>G on transcript NM_024721.5 (MANE Select); coding-DNA position 4700, A replaced by G.
Protein change: p.His1567Arg; replaces histidine 1567 with arginine.
Molecular consequence: missense variant.
Genome position (GRCh38, 1-based): chr8:76,851,621, A>G. VCF-style: chr8-76851621-A-G. GRCh37 (hg19) VCF-style: chr8-77763857-A-G.
Other names: c.4622A>G, p.His1541Arg (NM_001410934.1); short protein forms H1541R, H1567R.
Identifiers: ClinVar variation 3053820 (VCV003053820.3), dbSNP rs137874063, ClinGen allele CA4787549.